The following is an entry in ClinVar:

ClinVar aggregate classification (germline): Uncertain significance (1 of 4 stars; one submission).

Conditions:
Inborn genetic diseases. Identifiers: MedGen C0950123, MeSH D030342.

Submission:

Ambry Genetics
Classification: Uncertain significance for Inborn genetic diseases. Last evaluated: 2025-10-11. Review status: criteria provided, single submitter. Criteria: Ambry Variant Classification Scheme 2023. Collection method: clinical testing. Allele origin: germline.
Comment: The p.Q123H variant (also known as c.369G>C), located in coding exon 4 of the FANCA gene, results from a G to C substitution at nucleotide position 369. The glutamine at codon 123 is replaced by histidine, an amino acid with highly similar properties. This amino acid position is conserved. In addition, this alteration is predicted to be tolerated by in silico analysis. Based on the available evidence, the clinical significance of this variant remains unclear.

NM_000135.4(FANCA):c.369G>C (p.Gln123His)

Gene: FANCA (FA complementation group A; minus strand). Cytogenetic location: 16q24.3.
Variant type: single nucleotide variant.
Coding change: c.369G>C on transcript NM_000135.4 (MANE Select); coding-DNA position 369, G replaced by C.
Protein change: p.Gln123His; replaces glutamine 123 with histidine.
Molecular consequence: missense variant.
Genome position (GRCh38, 1-based): chr16:89,810,986, C>G on the plus strand (G>C on the coding strand, the complement: FANCA is on the minus strand). VCF-style: chr16-89810986-C-G. GRCh37 (hg19) VCF-style: chr16-89877394-C-G.
Other names: c.369G>C, p.Gln123His (NM_001018112.3, NM_001286167.3, NM_001351830.2); short protein forms Q123H.
Identifiers: ClinVar variation 4619194 (VCV004619194.1).